The following is an entry in ClinVar:

NC_000009.11:g.(?_124092234)_(124094793_?)del

Gene: GSN (gelsolin; plus strand). Cytogenetic location: 9q33.2.
Variant type: Deletion.
Identifiers: ClinVar variation 3245280 (VCV003245280.1).

ClinVar aggregate classification (germline): Uncertain significance (1 of 4 stars; one submission).

Submission:

Labcorp Genetics (formerly Invitae), Labcorp
Classification: Uncertain significance. Last evaluated: 2023-10-03. Review status: criteria provided, single submitter. Criteria: Invitae Variant Classification Sherloc (09022015). Collection method: clinical testing. Allele origin: unknown.
Comment: This variant results in the deletion of exon 16 and part of exon 17 (c.2118+641_2261delinsAAAGGTGGG) of the GSN gene. It affects a nucleotide within the consensus splice site. This variant has not been reported in the literature in individuals affected with GSN-related conditions. Variants that disrupt the consensus splice site are a relatively common cause of aberrant splicing (PMID: 17576681, 9536098). In summary, the available evidence is currently insufficient to determine the role of this variant in disease. Therefore, it has been classified as a Variant of Uncertain Significance.

Literature cited by the submitters: PubMed 17576681; PubMed 9536098.